The following is an entry in ClinVar:

NM_004056.6(CA8):c.417+822C>G

Gene: CA8 (carbonic anhydrase 8; minus strand). Cytogenetic location: 8q12.1.
Variant type: single nucleotide variant.
Coding change: c.417+822C>G on transcript NM_004056.6 (MANE Select); 822 bases into the intron after coding-DNA position 417, C replaced by G.
Molecular consequence: intron variant.
Genome position (GRCh38, 1-based): chr8:60,265,103, G>C on the plus strand (C>G on the coding strand, the complement: CA8 is on the minus strand). VCF-style: chr8-60265103-G-C. GRCh37 (hg19) VCF-style: chr8-61177662-G-C.
Other names: c.417+822C>G (NM_001321839.2, NM_001321837.2, NM_001321838.2).
Identifiers: ClinVar variation 1275439 (VCV001275439.2), dbSNP rs6471859, ClinGen allele CA15566097.

ClinVar aggregate classification (germline): Benign. Review status: criteria provided, multiple submitters, no conflicts (2 of 4 stars). 2 submissions from 2 submitters: Benign (2). Last evaluated 2020-02-17.

Allele frequency attached by ClinVar (database versions not stated): 1000 Genomes Project 30x 0.50921; TOPMed 0.51431; gnomAD exomes 0.44444; 1000 Genomes Project 0.49800.
gnomAD v4.1: 76,986 of 151,980 alleles (51%); highest among the groups gnomAD compares: African/African-American, 77%; 21,535 homozygotes.

Submissions (2):

GeneDx
Classification: Benign. Last evaluated: 2020-02-17. Review status: criteria provided, single submitter. Criteria: GeneDx Variant Classification Process June 2021. Collection method: clinical testing. Allele origin: germline. Affected: yes.
Comment: This variant is associated with the following publications: (PMID: 31199789)

Breakthrough Genomics
Classification: Benign. Review status: criteria provided, single submitter. Criteria: ACMG Guidelines, 2015. Collection method: not provided. Allele origin: germline. Inheritance: Autosomal recessive inheritance. Affected: yes.